The following is an entry in ClinVar:

NM_144599.5(NIPA1):c.70A>G (p.Ser24Gly)

Genes: NIPA1 (NIPA magnesium transporter 1; plus strand), LOC130056709 (ATAC-STARR-seq lymphoblastoid silent region 6259; plus strand). Cytogenetic location: 15q11.2.
Variant type: single nucleotide variant.
Coding change: c.70A>G on transcript NM_144599.5 (MANE Select); coding-DNA position 70, A replaced by G.
Protein change: p.Ser24Gly; replaces serine 24 with glycine.
Molecular consequence: missense variant. On other transcripts: intron variant (1).
Genome position (GRCh38, 1-based): chr15:22,786,726, A>G. VCF-style: chr15-22786726-A-G. GRCh37 (hg19) VCF-style: chr15-23086342-T-C.
Other names: p.Ser24Gly; c.-48+478A>G (NM_001142275.1); c.70A>G (NM_144599.4); short protein forms S24G.
Identifiers: ClinVar variation 2434358 (VCV002434358.5), dbSNP rs1478186050, ClinGen allele CA391298475.

ClinVar aggregate classification (germline): Uncertain significance. Review status: criteria provided, multiple submitters, no conflicts (2 of 4 stars). 3 submissions from 3 submitters: Uncertain significance (3). Last evaluated 2024-06-06.

Conditions:
Hereditary spastic paraplegia 6 (SPG6). Also called: SPASTIC PARAPLEGIA 6, AUTOSOMAL DOMINANT. Identifiers: Orphanet 100988, MedGen C1838192, MONDO:0010878, OMIM 600363.

Submissions (3):

GeneDx
Classification: Uncertain significance. Last evaluated: 2024-06-06. Review status: criteria provided, single submitter. Criteria: GeneDx Variant Classification Process June 2021. Collection method: clinical testing. Allele origin: germline. Affected: yes.
Comment: Not observed at significant frequency in large population cohorts (gnomAD); In silico analysis indicates that this missense variant does not alter protein structure/function; Has not been previously published as pathogenic or benign to our knowledge

Mayo Clinic Laboratories, Mayo Clinic
Classification: Uncertain significance. Last evaluated: 2023-10-04. Review status: criteria provided, single submitter. Criteria: ACMG Guidelines, 2015. Collection method: clinical testing. Allele origin: germline. Observed: 1 variant allele.
Comment: PM2_moderate

Revvity Omics, Revvity
Classification: Uncertain significance for Hereditary spastic paraplegia 6. Last evaluated: 2022-08-19. Review status: criteria provided, single submitter. Criteria: ACMG Guidelines, 2015. Collection method: clinical testing. Allele origin: germline.